The following is an entry in ClinVar:

NM_001110219.3(GJB6):c.358G>A (p.Asp120Asn)

Gene: GJB6 (gap junction protein beta 6; minus strand). Cytogenetic location: 13q12.11.
Variant type: single nucleotide variant.
Coding change: c.358G>A on transcript NM_001110219.3 (MANE Select); coding-DNA position 358, G replaced by A.
Protein change: p.Asp120Asn; replaces aspartic acid 120 with asparagine.
Molecular consequence: missense variant.
Genome position (GRCh38, 1-based): chr13:20,223,123, C>T on the plus strand (G>A on the coding strand, the complement: GJB6 is on the minus strand). VCF-style: chr13-20223123-C-T. GRCh37 (hg19) VCF-style: chr13-20797262-C-T.
Other names: c.358G>A, p.Asp120Asn (NM_001110220.3, NM_001110221.3, NM_001370090.1 and 3 more transcripts); short protein forms D120N.
Identifiers: ClinVar variation 672304 (VCV000672304.28), dbSNP rs193292569, ClinGen allele CA6904454.
Genomic context (GRCh38, chr13:20,223,123, plus strand): 5'-TGCTGCTGGTGTACGTCCACCACAGCGACCCCTCTATCCGAACCTTCTGCTTTTTAATGT[C>T]CTCTATGTCTTTGAAATCATTCCTCTTCTCTCCTCGCCTGAACTTGCGAGTGGTTTCGTG-3'
Protein context (NP_001103689.1, residues 110-130): EKRNDFKDIE[Asp120Asn]IKKQKVRIEG

ClinVar aggregate classification (germline): Benign/Likely benign. Review status: criteria provided, multiple submitters, no conflicts (2 of 4 stars). 5 submissions from 5 submitters: Benign (2); Likely benign (3). Last evaluated 2025-09-02.

Conditions:
Autosomal recessive nonsyndromic hearing loss 1B. Also called: DEAFNESS, AUTOSOMAL RECESSIVE 1B. Identifiers: Orphanet 90636, MedGen C2675235, MONDO:0012977, OMIM 612645.
Autosomal dominant nonsyndromic hearing loss 3B. Identifiers: Orphanet 90635, MedGen C2675237, MONDO:0012975, OMIM 612643.
Hidrotic ectodermal dysplasia syndrome (GJB6). Also called: ECTODERMAL DYSPLASIA 2, CLOUSTON TYPE; Hidrotic ectodermal dysplasia; Ectodermal dysplasia 2, hidrotic; Autosomal dominant hidrotic ectodermal dysplasia; Clouston syndrome; Clouston's hidrotic ectodermal dysplasia. Identifiers: Orphanet 189, MedGen C0162361, MONDO:0007510, OMIM 129500.
Autosomal recessive nonsyndromic hearing loss 1A (DFNB1A). Also called: GJB6-Related DFNB 1 Nonsyndromic Hearing Loss and Deafness; Deafness, autosomal recessive 1A; Connexin 26 deafness; Deafness nonsyndromic, Connexin 26 linked; Nonsyndromic Hearing Loss and Deafness, DFNB1; GJB2-Related Autosomal Recessive Nonsyndromic Hearing Loss. Identifiers: Orphanet 90636, MedGen C2673759, MONDO:0009076, OMIM 220290.

Allele frequency attached by ClinVar (database versions not stated): ESP Exome Variant Server 0.00008; TOPMed 0.00013; 1000 Genomes Project 30x 0.00078; 1000 Genomes Project 0.00100; gnomAD 0.00115 and 0.00120; ExAC 0.00168.
gnomAD v4.1: 1,329 of 1,614,158 alleles (0.082%); highest among the groups gnomAD compares: Non-Finnish European, 0.019%; 7 homozygotes.

Submissions (5):

Labcorp Genetics (formerly Invitae), Labcorp
Classification: Benign for Autosomal dominant nonsyndromic hearing loss 3B; Hidrotic ectodermal dysplasia syndrome; Autosomal recessive nonsyndromic hearing loss 1B; Autosomal recessive nonsyndromic hearing loss 1A. Last evaluated: 2025-09-02. Review status: criteria provided, single submitter. Criteria: Invitae Variant Classification Sherloc (09022015). Collection method: clinical testing. Allele origin: germline.

Blueprint Genetics
Classification: Likely benign. Last evaluated: 2024-11-06. Review status: criteria provided, single submitter. Criteria: ACMG Guidelines, 2015. Collection method: clinical testing. Allele origin: germline.

CeGaT Center for Human Genetics Tuebingen
Classification: Likely benign. Last evaluated: 2024-10-01. Review status: criteria provided, single submitter. Criteria: CeGaT Center For Human Genetics Tuebingen Variant Classification Criteria Version 2. Collection method: clinical testing. Allele origin: germline. Affected: yes. Observed: 1 variant allele.
Comment: GJB6: BS1

GeneDx
Classification: Likely benign. Last evaluated: 2018-06-11. Review status: criteria provided, single submitter. Criteria: GeneDx Variant Classification (06012015). Collection method: clinical testing. Allele origin: germline. Affected: yes.
Comment: This variant is considered likely benign or benign based on one or more of the following criteria: it is a conservative change, it occurs at a poorly conserved position in the protein, it is predicted to be benign by multiple in silico algorithms, and/or has population frequency not consistent with disease.

Illumina Laboratory Services, Illumina
Classification: Benign for Hidrotic ectodermal dysplasia syndrome. Last evaluated: 2017-04-27. Review status: criteria provided, single submitter. Criteria: ICSL Variant Classification Criteria 13 December 2019. Collection method: clinical testing. Allele origin: germline.
Comment: This variant was observed as part of a predisposition screen in an ostensibly healthy population. A literature search was performed for the gene, cDNA change, and amino acid change (where applicable). No publications were found based on this search. Allele frequency data from public databases was too high to be consistent with this variant causing disease. Therefore, this variant is classified as benign.